The following is an entry in ClinVar:

ClinVar aggregate classification (germline): Conflicting classifications of pathogenicity. Review status: criteria provided, conflicting classifications (1 of 4 stars). 6 submissions from 5 submitters: Uncertain significance (2); Likely benign (4). Last evaluated 2026-06-30.

Conditions:
PTCH1-related disorder. Also called: PTCH1-related disorders; PTCH1-related condition.
Holoprosencephaly 7 (HPE7). Identifiers: Orphanet 2162, MedGen C1835820, MONDO:0012562, OMIM 610828.
Hereditary cancer-predisposing syndrome. Also called: Hereditary neoplastic syndrome; Neoplastic Syndromes, Hereditary; Hereditary Cancer Syndrome; Tumor predisposition. Identifiers: Orphanet 140162, MedGen C0027672, MeSH D009386, MONDO:0015356.
Gorlin syndrome. Also called: Basal cell nevus syndrome; Nevoid Basal Cell Carcinoma Syndrome. Identifiers: Orphanet 377, MedGen C0004779, MONDO:0007187.

Allele frequency attached by ClinVar (database versions not stated): gnomAD exomes 0.00001 and 0.00002; ExAC 0.00002; gnomAD 0.00002; TOPMed 0.00002.

Submissions (6):

PreventionGenetics, part of Exact Sciences
Classification: Likely benign for PTCH1-related condition. Last evaluated: 2026-06-30. Review status: criteria provided, single submitter. Criteria: ACMG Guidelines, 2015. Collection method: clinical testing. Allele origin: germline.
Comment: This variant is classified as likely benign based on ACMG/AMP sequence variant interpretation guidelines (Richards et al. 2015 PMID: 25741868, with internal and published modifications).

Labcorp Genetics (formerly Invitae), Labcorp
Classification: Likely benign for Gorlin syndrome. Last evaluated: 2026-01-31. Review status: criteria provided, single submitter. Criteria: Invitae Variant Classification Sherloc (09022015). Collection method: clinical testing. Allele origin: germline.

Sema4
Classification: Uncertain significance for Hereditary cancer-predisposing syndrome. Last evaluated: 2021-10-31. Review status: criteria provided, single submitter. Criteria: Sema4 Curation Guidelines. Collection method: curation. Allele origin: germline.
Comment: The PTCH1 c.1049G>A (p.S350N) variant has not been reported in the literature to our knowledge. It was observed in 1/251492 chromosomes in the large and broad cohorts of the Genome Aggregation Database (PMID: 32461654), and has been reported in ClinVar (Variation ID: 367676). Functional studies have not been performed, and in silico predictions of the variant's effect on protein function are inconclusive. The evidence is insufficient to meet ACMG/AMP criteria for classifying the variant as benign or pathogenic. Thus, the clinical significance of this variant is currently uncertain.

Ambry Genetics
Classification: Likely benign for Hereditary cancer-predisposing syndrome. Last evaluated: 2021-09-21. Review status: criteria provided, single submitter. Criteria: Ambry Variant Classification Scheme 2023. Collection method: clinical testing. Allele origin: germline.

Illumina Laboratory Services, Illumina
Classification: Likely benign for Basal cell nevus syndrome 1. Last evaluated: 2018-01-13. Review status: criteria provided, single submitter. Criteria: ICSL Variant Classification Criteria 13 December 2019. Collection method: clinical testing. Allele origin: germline.
Comment: This variant was observed in the ICSL laboratory as part of a predisposition screen in an ostensibly healthy population. It had not been previously curated by ICSL or reported in the Human Gene Mutation Database (HGMD: prior to June 1st, 2018), and was therefore a candidate for classification through an automated scoring system. Utilizing variant allele frequency, disease prevalence and penetrance estimates, and inheritance mode, an automated score was calculated to assess if this variant is too frequent to cause the disease. Based on the score and internal cut-off values, a variant classified as likely benign is not then subjected to further curation. The score for this variant resulted in a classification of likely benign for this disease.

Illumina Laboratory Services, Illumina
Classification: Uncertain significance for Holoprosencephaly 7. Last evaluated: 2018-01-13. Review status: criteria provided, single submitter. Criteria: ICSL Variant Classification Criteria 13 December 2019. Collection method: clinical testing. Allele origin: germline.

NM_000264.5(PTCH1):c.1049G>A (p.Ser350Asn)

Gene: PTCH1 (patched 1; minus strand). Cytogenetic location: 9q22.32.
Variant type: single nucleotide variant.
Coding change: c.1049G>A on transcript NM_000264.5 (MANE Select); coding-DNA position 1049, G replaced by A.
Protein change: p.Ser350Asn; replaces serine 350 with asparagine.
Molecular consequence: missense variant. On other transcripts: non-coding transcript variant (1).
Genome position (GRCh38, 1-based): chr9:95,479,987, C>T on the plus strand (G>A on the coding strand, the complement: PTCH1 is on the minus strand). VCF-style: chr9-95479987-C-T. GRCh37 (hg19) VCF-style: chr9-98242269-C-T.
Other names: c.851G>A, p.Ser284Asn (NM_001083602.3); c.1046G>A, p.Ser349Asn (NM_001083603.3); c.596G>A, p.Ser199Asn (NM_001083604.3, NM_001083605.3, NM_001083606.3 and 1 more transcripts); c.1049G>A, p.Ser350Asn (NM_001354918.2); short protein forms S284N, S350N, S349N, S199N.
Identifiers: ClinVar variation 367676 (VCV000367676.20), dbSNP rs779294007, ClinGen allele CA5138783.